The following is an entry in ClinVar:

ClinVar aggregate classification (germline): Uncertain significance. Review status: criteria provided, multiple submitters, no conflicts (2 of 4 stars). 2 submissions from 2 submitters: Uncertain significance (2). Last evaluated 2025-01-28.

Conditions:
Hypertrophic cardiomyopathy 26. Also called: Cardiomyopathy, familial hypertrophic, 26. Identifiers: Orphanet 75249, MedGen C4310749, MONDO:0014883, OMIM 617047.
Dilated Cardiomyopathy, Dominant.
Myofibrillar myopathy 5. Also called: Filaminopathy (type); FILAMINOPATHY, AUTOSOMAL DOMINANT. Identifiers: Orphanet 171445, MedGen C1836050, MONDO:0012289, OMIM 609524.
Distal myopathy with posterior leg and anterior hand involvement. Also called: WILLIAMS DISTAL MYOPATHY. Identifiers: Orphanet 63273, MedGen C3279722, MONDO:0013550, OMIM 614065.

Allele frequency attached by ClinVar (database versions not stated): TOPMed below 0.00001; gnomAD exomes 0.00001.
gnomAD v4.1: 7 of 1,612,342 alleles (0.00043%); highest among the groups gnomAD compares: Non-Finnish European, 0.00059%; no homozygotes.

Submissions (2):

GeneDx
Classification: Uncertain significance. Last evaluated: 2025-01-28. Review status: criteria provided, single submitter. Criteria: GeneDx Variant Classification Process June 2021. Collection method: clinical testing. Allele origin: germline. Affected: yes.
Comment: Not observed at significant frequency in large population cohorts (gnomAD); In silico analysis supports that this missense variant has a deleterious effect on protein structure/function; Has not been previously published as pathogenic or benign to our knowledge

Labcorp Genetics (formerly Invitae), Labcorp
Classification: Uncertain significance for Distal myopathy with posterior leg and anterior hand involvement; Myofibrillar myopathy 5; Hypertrophic cardiomyopathy 26. Last evaluated: 2023-02-14. Review status: criteria provided, single submitter. Criteria: Invitae Variant Classification Sherloc (09022015). Collection method: clinical testing. Allele origin: germline.
Comment: In summary, the available evidence is currently insufficient to determine the role of this variant in disease. Therefore, it has been classified as a Variant of Uncertain Significance. Advanced modeling of protein sequence and biophysical properties (such as structural, functional, and spatial information, amino acid conservation, physicochemical variation, residue mobility, and thermodynamic stability) has been performed at Invitae for this missense variant, however the output from this modeling did not meet the statistical confidence thresholds required to predict the impact of this variant on FLNC protein function. This variant has not been reported in the literature in individuals affected with FLNC-related conditions. The frequency data for this variant in the population databases is considered unreliable, as metrics indicate poor data quality at this position in the gnomAD database. This sequence change replaces aspartic acid, which is acidic and polar, with tyrosine, which is neutral and polar, at codon 1498 of the FLNC protein (p.Asp1498Tyr).

NM_001458.5(FLNC):c.4492G>T (p.Asp1498Tyr)

Gene: FLNC (filamin C; plus strand). Cytogenetic location: 7q32.1.
Variant type: single nucleotide variant.
Coding change: c.4492G>T on transcript NM_001458.5 (MANE Select); coding-DNA position 4492, G replaced by T.
Protein change: p.Asp1498Tyr; replaces aspartic acid 1498 with tyrosine.
Molecular consequence: missense variant.
Genome position (GRCh38, 1-based): chr7:128,847,980, G>T. VCF-style: chr7-128847980-G-T. GRCh37 (hg19) VCF-style: chr7-128488034-G-T.
Other names: c.4492G>T, p.Asp1498Tyr (NM_001127487.2); short protein forms D1498Y.
Identifiers: ClinVar variation 2938314 (VCV002938314.3), dbSNP rs976919874, ClinGen allele CA166183331.
Genomic context (GRCh38, chr7:128,847,980, plus strand): 5'-TGCTGACCCTGTGCCCCTTGCCCAGGTGTGGCCGAGCCTGTGGAGGTGCGGGACAATGGA[G>T]ATGGCACCCACACTGTCCACTACACCCCAGCCACTGACGGGCCCTACACGGTAGCCGTCA-3'
Protein context (NP_001449.3, residues 1488-1508): AEPVEVRDNG[Asp1498Tyr]GTHTVHYTPA